The following is an entry in ClinVar:

ClinVar aggregate classification (germline): Conflicting classifications of pathogenicity. Review status: criteria provided, conflicting classifications (1 of 4 stars). 2 submissions from 2 submitters: Uncertain significance (1); Likely benign (1). Last evaluated 2025-04-02.

Conditions:
TSHZ1-related disorder. Also called: TSHZ1-related condition.

Allele frequency attached by ClinVar (database versions not stated): ESP Exome Variant Server 0.00008; gnomAD 0.00011 and 0.00022; ExAC 0.00018; 1000 Genomes Project 0.00020; TOPMed 0.00011 and 0.00015; 1000 Genomes Project 30x 0.00016.
gnomAD v4.1: 233 of 1,614,126 alleles (0.014%); highest among the groups gnomAD compares: Non-Finnish European, 0.016%; 2 homozygotes.

Submissions (2):

PreventionGenetics, part of Exact Sciences
Classification: Likely benign for TSHZ1-related condition. Last evaluated: 2025-04-02. Review status: criteria provided, single submitter. Criteria: ACMG Guidelines, 2015. Collection method: clinical testing. Allele origin: germline.
Comment: This variant is classified as likely benign based on ACMG/AMP sequence variant interpretation guidelines (Richards et al. 2015 PMID: 25741868, with internal and published modifications).

Ambry Genetics
Classification: Uncertain significance. Last evaluated: 2024-10-29. Review status: criteria provided, single submitter. Criteria: Ambry Variant Classification Scheme 2023. Collection method: clinical testing. Allele origin: germline.

NM_001308210.2(TSHZ1):c.2398C>T (p.Arg800Cys)

Gene: TSHZ1 (teashirt zinc finger homeobox 1; plus strand). Cytogenetic location: 18q22.3.
Variant type: single nucleotide variant.
Coding change: c.2398C>T on transcript NM_001308210.2 (MANE Select); coding-DNA position 2398, C replaced by T.
Protein change: p.Arg800Cys; replaces arginine 800 with cysteine.
Molecular consequence: missense variant.
Genome position (GRCh38, 1-based): chr18:75,287,805, C>T. VCF-style: chr18-75287805-C-T. GRCh37 (hg19) VCF-style: chr18-72999760-C-T.
Other names: c.2263C>T (NM_005786.4); c.2263C>T, p.Arg755Cys (NM_005786.6); short protein forms R755C, R800C.
Identifiers: ClinVar variation 2341126 (VCV002341126.4), dbSNP rs199676563, ClinGen allele CA9002279.